The following is an entry in ClinVar:

NM_001252024.2(TRPM1):c.2194A>G (p.Thr732Ala)

Gene: TRPM1 (transient receptor potential cation channel subfamily M member 1; minus strand). Cytogenetic location: 15q13.3.
Variant type: single nucleotide variant.
Coding change: c.2194A>G on transcript NM_001252024.2 (MANE Select); coding-DNA position 2194, A replaced by G.
Protein change: p.Thr732Ala; replaces threonine 732 with alanine.
Molecular consequence: missense variant.
Genome position (GRCh38, 1-based): chr15:31,040,240, T>C on the plus strand (A>G on the coding strand, the complement: TRPM1 is on the minus strand). VCF-style: chr15-31040240-T-C. GRCh37 (hg19) VCF-style: chr15-31332443-T-C.
Other names: c.2245A>G, p.Thr749Ala (NM_001252020.2); c.2128A>G, p.Thr710Ala (NM_002420.6); short protein forms T732A, T710A, T749A.
Identifiers: ClinVar variation 943442 (VCV000943442.8), dbSNP rs1451287233, ClinGen allele CA391510033.

ClinVar aggregate classification (germline): Conflicting classifications of pathogenicity. Review status: criteria provided, conflicting classifications (1 of 4 stars). 2 submissions from 2 submitters: Likely pathogenic (1); Uncertain significance (1). Last evaluated 2021-08-28.

Conditions:
Retinal dystrophy. Also called: Inherited retinal dystrophy. Identifiers: Orphanet 71862, MedGen C0854723, MeSH D058499, MONDO:0019118, HP:0000556.

Allele frequency attached by ClinVar (database versions not stated): gnomAD exomes below 0.00001 and 0.00002; TOPMed below 0.00001.
gnomAD v4.1: 12 of 1,614,196 alleles (0.00074%); highest among the groups gnomAD compares: Non-Finnish European, 0.001%; no homozygotes.

Submissions (2):

Labcorp Genetics (formerly Invitae), Labcorp
Classification: Uncertain significance. Last evaluated: 2021-08-28. Review status: criteria provided, single submitter. Criteria: Invitae Variant Classification Sherloc (09022015). Collection method: clinical testing. Allele origin: germline.
Comment: This sequence change replaces threonine with alanine at codon 710 of the TRPM1 protein (p.Thr710Ala). The threonine residue is highly conserved and there is a small physicochemical difference between threonine and alanine. This variant is not present in population databases (ExAC no frequency). This variant has not been reported in the literature in individuals affected with TRPM1-related conditions. Algorithms developed to predict the effect of missense changes on protein structure and function are either unavailable or do not agree on the potential impact of this missense change (SIFT: "Deleterious"; PolyPhen-2: "Possibly Damaging"; Align-GVGD: "Class C0"). In summary, the available evidence is currently insufficient to determine the role of this variant in disease. Therefore, it has been classified as a Variant of Uncertain Significance.

Institute of Human Genetics, Univ. Regensburg, Univ. Regensburg
Classification: Likely pathogenic for Retinal dystrophy. Last evaluated: 2021-01-01. Review status: criteria provided, single submitter. Criteria: ACMG Guidelines, 2015. Collection method: clinical testing. Allele origin: germline. Affected: yes.

Literature cited by the submitters: PubMed 25307992 (cited by Institute of Human Genetics, Univ. Regensburg, Univ. Regensburg).